The following is an entry in ClinVar:

ClinVar aggregate classification (germline): Uncertain significance (1 of 4 stars; one submission).

Allele frequency attached by ClinVar (database versions not stated): gnomAD 0.00001; ExAC 0.00002; gnomAD exomes 0.00002; ESP Exome Variant Server 0.00008.
gnomAD v4.1: 27 of 1,611,968 alleles (0.0017%); highest among the groups gnomAD compares: Non-Finnish European, 0.0018%; no homozygotes.

Submission:

Labcorp Genetics (formerly Invitae), Labcorp
Classification: Uncertain significance. Last evaluated: 2025-10-21. Review status: criteria provided, single submitter. Criteria: Invitae Variant Classification Sherloc (09022015). Collection method: clinical testing. Allele origin: germline.
Comment: This sequence change creates a premature translational stop signal (p.Arg161*) in the SLC25A32 gene. It is expected to result in an absent or disrupted protein product. However, the current clinical and genetic evidence is not sufficient to establish whether loss-of-function variants in SLC25A32 cause disease. This variant is present in population databases (rs370723155, gnomAD 0.007%). This variant has not been reported in the literature in individuals affected with SLC25A32-related conditions. ClinVar contains an entry for this variant (Variation ID: 1353571). Algorithms developed to predict the effect of sequence changes on RNA splicing suggest that this variant may disrupt the consensus splice site. In summary, the available evidence is currently insufficient to determine the role of this variant in disease. Therefore, it has been classified as a Variant of Uncertain Significance.

NM_030780.5(SLC25A32):c.481C>T (p.Arg161Ter)

Gene: SLC25A32 (solute carrier family 25 member 32; minus strand). Cytogenetic location: 8q22.3.
Variant type: single nucleotide variant.
Coding change: c.481C>T on transcript NM_030780.5 (MANE Select); coding-DNA position 481, C replaced by T.
Protein change: p.Arg161Ter; replaces arginine 161 with a stop codon.
Molecular consequence: nonsense. On other transcripts: non-coding transcript variant (2).
Genome position (GRCh38, 1-based): chr8:103,403,235, G>A on the plus strand (C>T on the coding strand, the complement: SLC25A32 is on the minus strand). VCF-style: chr8-103403235-G-A. GRCh37 (hg19) VCF-style: chr8-104415463-G-A.
Other names: short protein forms R161*.
Identifiers: ClinVar variation 1353571 (VCV001353571.6), dbSNP rs370723155, ClinGen allele CA4835463.